The following is an entry in ClinVar:

NM_017588.3(WDR5):c.512C>T (p.Ser171Leu)

Gene: WDR5 (WD repeat domain 5; plus strand). Cytogenetic location: 9q34.2.
Variant type: single nucleotide variant.
Coding change: c.512C>T on transcript NM_017588.3 (MANE Select); coding-DNA position 512, C replaced by T.
Protein change: p.Ser171Leu; replaces serine 171 with leucine.
Molecular consequence: missense variant.
Genome position (GRCh38, 1-based): chr9:134,142,703, C>T. VCF-style: chr9-134142703-C-T. GRCh37 (hg19) VCF-style: chr9-137007825-C-T.
Other names: c.512C>T, p.Ser171Leu (NM_001384409.1, NM_001384410.1, NM_001384411.1 and 6 more transcripts); c.503C>T, p.Ser168Leu (NM_001384417.1); c.383C>T, p.Ser128Leu (NM_001384418.1, NM_001384419.1); short protein forms S128L, S168L, S171L.
Identifiers: ClinVar variation 2428925 (VCV002428925.4), dbSNP rs2539677207, ClinGen allele CA375452567.

ClinVar aggregate classification (germline): Likely pathogenic (1 of 4 stars; one submission).

Submission:

GeneDx
Classification: Likely pathogenic. Last evaluated: 2024-08-15. Review status: criteria provided, single submitter. Criteria: GeneDx Variant Classification Process June 2021. Collection method: clinical testing. Allele origin: germline.
Comment: Identified via prenatal exome sequencing in an individual with multiple congenital anomalies (PMID: 33442022); Not observed at significant frequency in large population cohorts (gnomAD); In silico analysis supports that this missense variant has a deleterious effect on protein structure/function; This variant is associated with the following publications: (PMID: 33442022)